The following is an entry in ClinVar:

ClinVar aggregate classification (germline): Uncertain significance (1 of 4 stars; one submission).

Conditions:
Hyperphosphatasia with impaired intellectual development syndrome 3. Also called: GLYCOSYLPHOSPHATIDYLINOSITOL BIOSYNTHESIS DEFECT 8; Hyperphosphatasia with intellectual disability syndrome 3. Identifiers: Orphanet 247262, MedGen C3280153, MONDO:0013628, OMIM 614207.

Submission:

Neuberg Centre For Genomic Medicine, NCGM
Classification: Uncertain significance for Hyperphosphatasia with impaired intellectual development syndrome 3. Last evaluated: 2023-06-22. Review status: criteria provided, single submitter. Criteria: ACMG Guidelines, 2015. Collection method: clinical testing. Allele origin: germline. Inheritance: Autosomal recessive inheritance. Affected: yes.
Comment: The missense variant c.670C>G p.Leu224Val in the PGAP2 gene has not been reported previously as a pathogenic variant nor as a benign variant, to our knowledge. This variant is absent in the gnomAD Exomes. The amino acid Leucine at position 224 is changed to a Valine changing protein sequence and it might alter its composition and physico-chemical properties. Multiple lines of computational evidence Polyphen - Damaging, SIFT - Damaging and MutationTaster - Disease causing predict a damaging effect on protein structure and function for this variant. The amino acid change p.Leu224Val in PGAP2 is predicted as conserved by GERP++ and PhyloP across 100 vertebrates. For these reasons, this variant has been classified as Uncertain Significance.

NM_014489.4(PGAP2):c.670C>G (p.Leu224Val)

Gene: PGAP2 (post-GPI attachment to proteins 2; plus strand). Cytogenetic location: 11p15.4.
Variant type: single nucleotide variant.
Coding change: c.670C>G on transcript NM_014489.4 (MANE Select); coding-DNA position 670, C replaced by G.
Protein change: p.Leu224Val; replaces leucine 224 with valine.
Molecular consequence: missense variant. On other transcripts: non-coding transcript variant (15).
Genome position (GRCh38, 1-based): chr11:3,824,338, C>G. VCF-style: chr11-3824338-C-G. GRCh37 (hg19) VCF-style: chr11-3845568-C-G.
Other names: c.487C>G, p.Leu163Val (NM_001145438.3, NM_001256237.2, NM_001256238.2 and 7 more transcripts); c.541C>G, p.Leu181Val (NM_001256235.2); c.670C>G, p.Leu224Val (NM_001256236.2, NM_001346403.1); c.410C>G, p.Ser137Cys (NM_001283039.2); c.230C>G, p.Ser77Cys (NM_001283040.1); c.640C>G, p.Leu214Val (NM_001346397.2); c.497C>G, p.Ser166Cys (NM_001346399.2, NM_001346401.2); c.607C>G, p.Leu203Val (NM_001346402.2); short protein forms L163V, L181V, L203V, L214V, L220V, L224V, L281V, S166C.
Identifiers: ClinVar variation 3391397 (VCV003391397.1).